The following is an entry in ClinVar:

ClinVar aggregate classification (germline): Pathogenic. Review status: criteria provided, multiple submitters, no conflicts (2 of 4 stars). 4 submissions from 4 submitters: Pathogenic (4). Last evaluated 2026-05-05.

Conditions:
MBD4-related disorder. Also called: MBD4-related condition.
Inborn genetic diseases. Identifiers: MedGen C0950123, MeSH D030342.
Tumor predisposition syndrome 2 (TPDS2). Also called: MBD4-Related Tumor Predisposition Syndrome; MBD4-associated neoplasia syndrome (MANS); MBD4-ASSOCIATED NEOPLASIA SYNDROME. Identifiers: Orphanet 661526, MedGen C5774186, MONDO:0859267, OMIM 619975.

Submissions (4):

PreventionGenetics, part of Exact Sciences
Classification: Pathogenic for MBD4-related condition. Last evaluated: 2026-05-05. Review status: criteria provided, single submitter. Criteria: ACMG Guidelines, 2015. Collection method: clinical testing. Allele origin: germline.
Comment: The MBD4 c.1443delT variant is predicted to result in a frameshift and premature protein termination (p.Leu482Trpfs*9). This variant has been reported in individuals with uveal melanoma (Derrien et al. 2021. PubMed ID: 32239153). This variant is reported in 0.0026% of alleles in individuals of European (Non-Finnish) descent in gnomAD and is classified as pathogenic in ClinVar (Variation ID: 2725154). Frameshift variants in MBD4 are expected to be pathogenic. This variant is interpreted as pathogenic.

Labcorp Genetics (formerly Invitae), Labcorp
Classification: Pathogenic. Last evaluated: 2026-01-28. Review status: criteria provided, single submitter. Criteria: Invitae Variant Classification Sherloc (09022015). Collection method: clinical testing. Allele origin: germline.
Comment: This sequence change creates a premature translational stop signal (p.Leu482Trpfs*9) in the MBD4 gene. It is expected to result in an absent or disrupted protein product. Loss-of-function variants in MBD4 are known to be pathogenic (PMID: 30049810, 35460607). This variant is present in population databases (rs769076971, gnomAD 0.002%). This premature translational stop signal has been observed in individual(s) with uveal melanoma (PMID: 32239153). This variant is also known as c.1425delT. ClinVar contains an entry for this variant (Variation ID: 2725154). For these reasons, this variant has been classified as Pathogenic.

Ambry Genetics
Classification: Pathogenic for Inborn genetic diseases. Last evaluated: 2025-02-12. Review status: criteria provided, single submitter. Criteria: Ambry Variant Classification Scheme 2023. Collection method: clinical testing. Allele origin: germline.
Comment: The c.1425delT pathogenic mutation, located in coding exon 6 of the MBD4 gene, results from a deletion of one nucleotide at nucleotide position 1425, causing a translational frameshift with a predicted alternate stop codon (p.L476Wfs*9). This alteration is expected to result in loss of function by premature protein truncation or nonsense-mediated mRNA decay. As such, this alteration is interpreted as a disease-causing mutation.

Institute for Genomic Medicine (IGM) Clinical Laboratory, Nationwide Children's Hospital
Classification: Pathogenic for Tumor predisposition syndrome 2. Last evaluated: 2024-08-17. Review status: criteria provided, single submitter. Criteria: ACMG Guidelines, 2015. Collection method: clinical testing. Allele origin: germline.
Comment: This variant is predicted to result in loss of function through nonsense-mediated decay of the encoded transcript or premature truncation of the encoded protein in a gene in which loss of function is a known mechanism of disease (ACMG/AMP: PVS1; PMIDs:32239153, 30714079, 35460607). This variant has been reported at an elevated frequency in affected individuals/in multiple affected individuals in the literature (ACMG/AMP: PS4_Moderate; PMIDs:32239153, 30714079). This variant is absent from or present at an exceedingly low frequency in gnomAD, a large-scale control population database (ACMG/AMP: PM2).

Literature cited by the submitters: PubMed 30049810 (cited by Labcorp Genetics (formerly Invitae), Labcorp); PubMed 35460607 (cited by Labcorp Genetics (formerly Invitae), Labcorp and Institute for Genomic Medicine (IGM) Clinical Laboratory, Nationwide Children's Hospital); PubMed 32239153 (cited by Labcorp Genetics (formerly Invitae), Labcorp and Institute for Genomic Medicine (IGM) Clinical Laboratory, Nationwide Children's Hospital); PubMed 30714079 (cited by Institute for Genomic Medicine (IGM) Clinical Laboratory, Nationwide Children's Hospital).

NM_001276270.2(MBD4):c.1425del (p.Leu476fs)

Gene: MBD4 (methyl-CpG binding domain 4, DNA glycosylase; minus strand). Cytogenetic location: 3q21.3.
Variant type: Deletion.
Coding change: c.1425del on transcript NM_001276270.2 (MANE Select); coding-DNA position 1425, one base deleted (T; older notation c.1425delT).
Protein change: p.Leu476fs; shifts the reading frame from leucine 476.
Molecular consequence: frameshift variant.
Genome position (GRCh38, 1-based): chr3:129,433,216, A deleted on the plus strand (T on the coding strand, the reverse complement: MBD4 is on the minus strand); the first of 3 consecutive A bases (chr3:129,433,216-129,433,218); deleting any one gives the same sequence. VCF-style (leftmost placement, unchanged base first): chr3-129433215-GA-G. GRCh37 (hg19) VCF-style: chr3-129152058-GA-G.
Other names: c.1443delT (NM_003925.2); c.1425delT (NM_001276270.2); c.1443del, p.Leu482fs (NM_001276271.2, NM_001276272.2, NM_003925.3); c.489del, p.Leu164fs (NM_001276273.2); short protein forms L164fs, L476fs, L482fs.
Identifiers: ClinVar variation 2725154 (VCV002725154.7), dbSNP rs769076971, ClinGen allele CA2605289.